The following is an entry in ClinVar:

ClinVar aggregate classification (germline): Likely pathogenic (1 of 4 stars; one submission).

Conditions:
Cardiovascular phenotype. Identifiers: MedGen CN230736.

Allele frequency attached by ClinVar (database versions not stated): TOPMed below 0.00001.

Submission:

Ambry Genetics
Classification: Likely pathogenic for Cardiovascular phenotype. Last evaluated: 2022-08-17. Review status: criteria provided, single submitter. Criteria: Ambry Variant Classification Scheme 2023. Collection method: clinical testing. Allele origin: germline.
Comment: The c.77378delT variant, located in coding exon 185 of the TTN gene, results from a deletion of one nucleotide at nucleotide position 77378, causing a translational frameshift with a predicted alternate stop codon (p.I25793Tfs*57). This exon is located in the M-band region of the N2-B isoform of the titin protein and is constitutively expressed in TTN transcripts (percent spliced in or PSI 100%). This variant is considered to be rare based on population cohorts in the Genome Aggregation Database (gnomAD). This alteration is expected to result in loss of function by premature protein truncation or nonsense-mediated mRNA decay. While truncating variants in TTN are present in 1-3% of the general population, truncating variants in the M-band have been reported in association with autosomal recessive titinopathies, primarily presenting with skeletal myopathy phenotypes (Ceyhan-Birsoy O et al. Neurology. 2013 Oct 1;81(14):1205-14; De Cid R et al. Neurology. 2015;85(24):2126-35). In addition, regardless of their position, TTN truncating variants encoded in constitutive exons (PSI >90%) have been found to be significantly associated with dilated cardiomyopathy (DCM), though truncating variants in the A-band are the most common cause of DCM (Herman DS et al. N. Engl. J. Med., 2012 Feb;366:619-28; Roberts AM et al. Sci Transl Med, 2015 Jan;7:270ra6; Schafer S et al. Nat. Genet., 2017 01;49:46-53). Based on the majority of available evidence to date, this variant is likely to be pathogenic in association with autosomal recessive titinopathy; however, the clinical significance of this alteration with respect to cardiomyopathy remains unclear.

NM_001267550.2(TTN):c.104573del (p.Ile34858fs)

Genes: TTN-AS1 (TTN antisense RNA 1; plus strand), TTN (titin; minus strand). Cytogenetic location: 2q31.2.
Variant type: Deletion.
Coding change: c.104573del on transcript NM_001267550.2 (MANE Select); coding-DNA position 104573, one base deleted (T; older notation c.104573delT).
Protein change: p.Ile34858fs; shifts the reading frame from isoleucine 34858.
Molecular consequence: frameshift variant.
Genome position (GRCh38, 1-based): chr2:178,532,042, A deleted on the plus strand (T on the coding strand, the reverse complement: TTN is on the minus strand). VCF-style (leftmost placement, unchanged base first): chr2-178532041-GA-G. GRCh37 (hg19) VCF-style: chr2-179396768-GA-G.
Other names: c.99650del, p.Ile33217fs (NM_001256850.1); c.77378del, p.Ile25793fs (NM_003319.4); c.96869del, p.Ile32290fs (NM_133378.4); c.77753del, p.Ile25918fs (NM_133432.3); c.77954del, p.Ile25985fs (NM_133437.4); c.77378delT (NM_003319.4); short protein forms I25985fs, I25793fs, I32290fs, I25918fs, I33217fs, I34858fs.
Identifiers: ClinVar variation 1760377 (VCV001760377.2), dbSNP rs1689352168, ClinGen allele CA1310518044.
Genomic context (GRCh38, chr2:178,532,041, plus strand): 5'-AGTAGGTGACCTTCTTTCTGTGTCATCTTCGTATTCCTCAGCCGGTTGTGGACGTGACCG[GA>G]TCAGCTCAGACACTGGCCTCATTAACTCAATATAAGTTGGAGACAGGGAGCGCCGTCGTC-3'